The following is an entry in ClinVar:

NM_003924.4(PHOX2B):c.873C>A (p.Phe291Leu)

Gene: PHOX2B (paired like homeobox 2B; minus strand). Cytogenetic location: 4p13.
Variant type: single nucleotide variant.
Coding change: c.873C>A on transcript NM_003924.4 (MANE Select); coding-DNA position 873, C replaced by A.
Protein change: p.Phe291Leu; replaces phenylalanine 291 with leucine.
Molecular consequence: missense variant.
Genome position (GRCh38, 1-based): chr4:41,745,879, G>T on the plus strand (C>A on the coding strand, the complement: PHOX2B is on the minus strand). VCF-style: chr4-41745879-G-T. GRCh37 (hg19) VCF-style: chr4-41747896-G-T.
Other names: short protein forms F291L.
Identifiers: ClinVar variation 5026571 (VCV005026571.1).
Genomic context (GRCh38, chr4:41,745,879, plus strand): 5'-GCTCTTCACTAAGGCGGCTTTGGCACCGTTGGGTCTTTGGAGCGAAGATAGGACGCTGGC[G>T]AAGGGACCCCCAAGCGAATCCGGGATGGAGGTGATGGGGCCGGGGCCGGGAGCCCAGCCT-3'
Protein context (NP_003915.2, residues 281-301): TSIPDSLGGP[Phe291Leu]ASVLSSLQRP

ClinVar aggregate classification (germline): Uncertain significance (1 of 4 stars; one submission).

Conditions:
Hereditary cancer-predisposing syndrome. Also called: Neoplastic Syndromes, Hereditary; Tumor predisposition; Hereditary neoplastic syndrome; Hereditary Cancer Syndrome. Identifiers: Orphanet 140162, MedGen C0027672, MeSH D009386, MONDO:0015356.

Submission:

Ambry Genetics
Classification: Uncertain significance for Hereditary cancer-predisposing syndrome. Last evaluated: 2026-07-06. Review status: criteria provided, single submitter. Criteria: Ambry Variant Classification Scheme 2023. Collection method: clinical testing. Allele origin: germline.
Comment: The p.F291L variant (also known as c.873C>A), located in coding exon 3 of the PHOX2B gene, results from a C to A substitution at nucleotide position 873. The phenylalanine at codon 291 is replaced by leucine, an amino acid with highly similar properties. This amino acid position is conserved. In addition, the in silico prediction for this alteration is inconclusive. Based on the available evidence, the clinical significance of this variant remains unclear.